The following is an entry in ClinVar:

ClinVar aggregate classification (germline): Benign/Likely benign. Review status: criteria provided, multiple submitters, no conflicts (2 of 4 stars). 5 submissions from 5 submitters: Benign (2); Likely benign (2). 1 of the submissions does not count toward it. Last evaluated 2025-12-29.

Conditions:
Hemolytic anemia due to glutathione reductase deficiency (CNSHA10). Also called: ANEMIA, CONGENITAL, NONSPHEROCYTIC HEMOLYTIC, 10. Identifiers: Orphanet 90030, MedGen C5231513, MONDO:0019531, OMIM 618660.
GSR-related disorder. Also called: GSR-related condition.

Allele frequency attached by ClinVar (database versions not stated): ESP Exome Variant Server 0.00607; 1000 Genomes Project 0.00639; gnomAD exomes 0.00159 and 0.00060; gnomAD 0.00589 and 0.00632; 1000 Genomes Project 30x 0.00718; ExAC 0.00184; TOPMed 0.00596.
gnomAD v4.1: 1,803 of 1,603,158 alleles (0.11%); highest among the groups gnomAD compares: African/African-American, 2%; 19 homozygotes.

Submissions (5):

Labcorp Genetics (formerly Invitae), Labcorp
Classification: Benign. Last evaluated: 2025-12-29. Review status: criteria provided, single submitter. Criteria: Invitae Variant Classification Sherloc (09022015). Collection method: clinical testing. Allele origin: germline.

ARUP Laboratories, Molecular Genetics and Genomics, ARUP Laboratories
Classification: Benign for Hemolytic anemia due to glutathione reductase deficiency. Last evaluated: 2025-07-24. Review status: criteria provided, single submitter. Criteria: ARUP Molecular Germline Variant Investigation Process 2024. Collection method: clinical testing. Allele origin: germline.

Mayo Clinic Laboratories, Mayo Clinic
Classification: Likely benign. Last evaluated: 2025-01-31. Review status: criteria provided, single submitter. Criteria: ACMG Guidelines, 2015. Collection method: clinical testing. Allele origin: germline. Observed: 28 variant alleles.
Comment: BS2, BP4

Breakthrough Genomics
Classification: Likely benign. Review status: criteria provided, single submitter. Criteria: ACMG Guidelines, 2015. Collection method: not provided. Allele origin: germline. Inheritance: Autosomal recessive inheritance. Affected: yes.

PreventionGenetics, part of Exact Sciences
Classification: Likely benign for GSR-related condition. Last evaluated: 2024-05-06. Review status: no assertion criteria provided. Collection method: clinical testing. Allele origin: germline. Not counted in ClinVar's aggregate classification.
Comment: This variant is classified as likely benign based on ACMG/AMP sequence variant interpretation guidelines (Richards et al. 2015 PMID: 25741868, with internal and published modifications).

NM_000637.5(GSR):c.1069A>G (p.Ile357Val)

Gene: GSR (glutathione-disulfide reductase; minus strand). Cytogenetic location: 8p12.
Variant type: single nucleotide variant.
Coding change: c.1069A>G on transcript NM_000637.5 (MANE Select); coding-DNA position 1069, A replaced by G.
Protein change: p.Ile357Val; replaces isoleucine 357 with valine.
Molecular consequence: missense variant.
Genome position (GRCh38, 1-based): chr8:30,684,172, T>C on the plus strand (A>G on the coding strand, the complement: GSR is on the minus strand). VCF-style: chr8-30684172-T-C. GRCh37 (hg19) VCF-style: chr8-30541689-T-C.
Other names: p.Ile357Val; c.982A>G, p.Ile328Val (NM_001195102.3); c.910A>G, p.Ile304Val (NM_001195103.3); c.823A>G, p.Ile275Val (NM_001195104.3); short protein forms I328V, I275V, I304V, I357V.
Identifiers: ClinVar variation 769741 (VCV000769741.26), dbSNP rs75673983, ClinGen allele CA4701286.
Genomic context (GRCh38, chr8:30,684,172, plus strand): 5'-ATACATCCCCAACTGCATAGATGCCTTTGACGTTGGTATTCTGGAATTCGTCTACGATGA[T>C]ATGACCCTTGTCATCGGTTTGAATCCCCTAAAATTACAAAGAGATATCATGTAACCACTT-3'
Protein context (NP_000628.2, residues 347-367): LGIQTDDKGH[Ile357Val]IVDEFQNTNV